The following is an entry in ClinVar:

ClinVar aggregate classification (germline): Conflicting classifications of pathogenicity. Review status: criteria provided, conflicting classifications (1 of 4 stars). 2 submissions from 2 submitters: Uncertain significance (1); Likely benign (1). Last evaluated 2023-03-23.

Conditions:
Hereditary breast ovarian cancer syndrome. Also called: Hereditary breast and ovarian cancer syndrome; Hereditary breast and ovarian cancer syndrome (HBOC); Breast and ovarian cancer; Hereditary breast and/or ovarian cancer syndrome; Hereditary breast and ovarian cancer; BRCA1- and BRCA2-Associated Hereditary Breast and Ovarian Cancer. Identifiers: Orphanet 145, MedGen C0677776, MeSH D061325, MONDO:0003582. Disease mechanism: loss of function.
Hereditary cancer-predisposing syndrome. Also called: Neoplastic Syndromes, Hereditary; Tumor predisposition; Hereditary Cancer Syndrome; Hereditary neoplastic syndrome. Identifiers: Orphanet 140162, MedGen C0027672, MeSH D009386, MONDO:0015356.

Submissions (2):

University of Washington Department of Laboratory Medicine, University of Washington
Classification: Likely benign for Hereditary cancer-predisposing syndrome. Last evaluated: 2023-03-23. Review status: criteria provided, single submitter. Criteria: Dines et al. (Genet Med. 2020). Collection method: curation. Allele origin: germline.
Comment: Missense variant in a coldspot region where missense variants are very unlikely to be pathogenic (PMID:31911673).

BRCA2 exon 11 coldspot. Reclassification based on statistical prior probability.

Labcorp Genetics (formerly Invitae), Labcorp
Classification: Uncertain significance for Hereditary breast ovarian cancer syndrome. Last evaluated: 2022-09-14. Review status: criteria provided, single submitter. Criteria: Invitae Variant Classification Sherloc (09022015). Collection method: clinical testing. Allele origin: germline.
Comment: This sequence change replaces lysine, which is basic and polar, with glutamic acid, which is acidic and polar, at codon 722 of the BRCA2 protein (p.Lys722Glu). This variant is not present in population databases (gnomAD no frequency). This variant has not been reported in the literature in individuals affected with BRCA2-related conditions. Advanced modeling of protein sequence and biophysical properties (such as structural, functional, and spatial information, amino acid conservation, physicochemical variation, residue mobility, and thermodynamic stability) performed at Invitae indicates that this missense variant is not expected to disrupt BRCA2 protein function. In summary, the available evidence is currently insufficient to determine the role of this variant in disease. Therefore, it has been classified as a Variant of Uncertain Significance.

NM_000059.4(BRCA2):c.2164A>G (p.Lys722Glu)

Gene: BRCA2 (BRCA2 DNA repair associated; plus strand). Cytogenetic location: 13q13.1.
Variant type: single nucleotide variant.
Coding change: c.2164A>G on transcript NM_000059.4 (MANE Select); coding-DNA position 2164, A replaced by G.
Protein change: p.Lys722Glu; replaces lysine 722 with glutamic acid.
Molecular consequence: missense variant.
Genome position (GRCh38, 1-based): chr13:32,336,519, A>G. VCF-style: chr13-32336519-A-G. GRCh37 (hg19) VCF-style: chr13-32910656-A-G.
Other names: c.2164A>G, p.Lys722Glu (NM_001406719.1, NM_001406720.1); short protein forms K722E.
Identifiers: ClinVar variation 1716003 (VCV001716003.7), dbSNP rs2137483851, ClinGen allele CA387770260.